The following is an entry in ClinVar:

NM_000252.3(MTM1):c.727A>G (p.Ser243Gly)

Gene: MTM1 (myotubularin 1; plus strand). Cytogenetic location: Xq28.
Variant type: single nucleotide variant.
Coding change: c.727A>G on transcript NM_000252.3 (MANE Select); coding-DNA position 727, A replaced by G.
Protein change: p.Ser243Gly; replaces serine 243 with glycine.
Molecular consequence: missense variant.
Genome position (GRCh38, 1-based): chrX:150,645,731, A>G. VCF-style: chrX-150645731-A-G. GRCh37 (hg19) VCF-style: chrX-149814204-A-G.
Other names: c.727A>G, p.Ser243Gly (NM_001376906.1, NM_001376908.1); c.616A>G, p.Ser206Gly (NM_001376907.1); short protein forms S243G, S206G.
Identifiers: ClinVar variation 1379864 (VCV001379864.6), dbSNP rs2148493156, ClinGen allele CA415256389.

ClinVar aggregate classification (germline): Uncertain significance (1 of 4 stars; one submission).

Conditions:
Severe X-linked myotubular myopathy (CNMX). Also called: Myotubular myopathy, X-linked; MYOTUBULAR MYOPATHY 1; X-linked centronuclear myopathy. Identifiers: Orphanet 596, MedGen C0410203, MONDO:0010683, OMIM 310400.

Submission:

Labcorp Genetics (formerly Invitae), Labcorp
Classification: Uncertain significance for Severe X-linked myotubular myopathy. Last evaluated: 2022-07-19. Review status: criteria provided, single submitter. Criteria: Invitae Variant Classification Sherloc (09022015). Collection method: clinical testing. Allele origin: germline.
Comment: ClinVar contains an entry for this variant (Variation ID: 1379864). In summary, the available evidence is currently insufficient to determine the role of this variant in disease. Therefore, it has been classified as a Variant of Uncertain Significance. This variant disrupts the p.Ser243 amino acid residue in MTM1. Other variant(s) that disrupt this residue have been determined to be pathogenic (Invitae). This suggests that this residue is clinically significant, and that variants that disrupt this residue are likely to be disease-causing. Algorithms developed to predict the effect of missense changes on protein structure and function are either unavailable or do not agree on the potential impact of this missense change (SIFT: "Deleterious"; PolyPhen-2: "Probably Damaging"; Align-GVGD: "Class C0"). This variant has not been reported in the literature in individuals affected with MTM1-related conditions. This variant is not present in population databases (gnomAD no frequency). This sequence change replaces serine, which is neutral and polar, with glycine, which is neutral and non-polar, at codon 243 of the MTM1 protein (p.Ser243Gly).